The following is an entry in ClinVar:

NM_000264.5(PTCH1):c.3011T>G (p.Leu1004Arg)

Gene: PTCH1 (patched 1; minus strand). Cytogenetic location: 9q22.32.
Variant type: single nucleotide variant.
Coding change: c.3011T>G on transcript NM_000264.5 (MANE Select); coding-DNA position 3011, T replaced by G.
Protein change: p.Leu1004Arg; replaces leucine 1004 with arginine.
Molecular consequence: missense variant. On other transcripts: non-coding transcript variant (1).
Genome position (GRCh38, 1-based): chr9:95,458,170, A>C on the plus strand (T>G on the coding strand, the complement: PTCH1 is on the minus strand). VCF-style: chr9-95458170-A-C. GRCh37 (hg19) VCF-style: chr9-98220452-A-C.
Other names: c.2813T>G, p.Leu938Arg (NM_001083602.3); c.3008T>G, p.Leu1003Arg (NM_001083603.3); c.2558T>G, p.Leu853Arg (NM_001083604.3, NM_001083605.3, NM_001083606.3 and 1 more transcripts); c.2855T>G, p.Leu952Arg (NM_001354918.2); short protein forms L938R, L1004R, L853R, L1003R, L952R.
Identifiers: ClinVar variation 566703 (VCV000566703.10), dbSNP rs1564019538, ClinGen allele CA374112580.

ClinVar aggregate classification (germline): Uncertain significance. Review status: criteria provided, multiple submitters, no conflicts (2 of 4 stars). 2 submissions from 2 submitters: Uncertain significance (2). Last evaluated 2025-08-13.

Conditions:
Hereditary cancer-predisposing syndrome. Also called: Neoplastic Syndromes, Hereditary; Tumor predisposition; Hereditary Cancer Syndrome; Hereditary neoplastic syndrome. Identifiers: Orphanet 140162, MedGen C0027672, MeSH D009386, MONDO:0015356.
Gorlin syndrome. Also called: Nevoid Basal Cell Carcinoma Syndrome; Basal cell nevus syndrome. Identifiers: Orphanet 377, MedGen C0004779, MONDO:0007187.

Allele frequency attached by ClinVar (database versions not stated): gnomAD exomes below 0.00001.
gnomAD v4.1: 1 of 1,614,210 alleles (0.000062%); highest among the groups gnomAD compares: Non-Finnish European, 0.000085%; no homozygotes.

Submissions (2):

Ambry Genetics
Classification: Uncertain significance for Hereditary cancer-predisposing syndrome. Last evaluated: 2025-08-13. Review status: criteria provided, single submitter. Criteria: Ambry Variant Classification Scheme 2023. Collection method: clinical testing. Allele origin: germline.
Comment: The p.L1004R variant (also known as c.3011T>G), located in coding exon 18 of the PTCH1 gene, results from a T to G substitution at nucleotide position 3011. The leucine at codon 1004 is replaced by arginine, an amino acid with dissimilar properties. This amino acid position is conserved. In addition, the in silico prediction for this alteration is inconclusive. Based on the available evidence, the clinical significance of this variant remains unclear.

Labcorp Genetics (formerly Invitae), Labcorp
Classification: Uncertain significance for Gorlin syndrome. Last evaluated: 2025-04-14. Review status: criteria provided, single submitter. Criteria: Invitae Variant Classification Sherloc (09022015). Collection method: clinical testing. Allele origin: germline.
Comment: This sequence change replaces leucine, which is neutral and non-polar, with arginine, which is basic and polar, at codon 1004 of the PTCH1 protein (p.Leu1004Arg). This variant is not present in population databases (gnomAD no frequency). This variant has not been reported in the literature in individuals affected with PTCH1-related conditions. ClinVar contains an entry for this variant (Variation ID: 566703). Invitae Evidence Modeling of protein sequence and biophysical properties (such as structural, functional, and spatial information, amino acid conservation, physicochemical variation, residue mobility, and thermodynamic stability) indicates that this missense variant is not expected to disrupt PTCH1 protein function with a negative predictive value of 95%. In summary, the available evidence is currently insufficient to determine the role of this variant in disease. Therefore, it has been classified as a Variant of Uncertain Significance.